The following is an entry in ClinVar:

ClinVar aggregate classification (germline): Uncertain significance (1 of 4 stars; one submission).

Allele frequency attached by ClinVar (database versions not stated): gnomAD exomes 0.00001; TOPMed 0.00002.

Submission:

Labcorp Genetics (formerly Invitae), Labcorp
Classification: Uncertain significance. Last evaluated: 2021-10-22. Review status: criteria provided, single submitter. Criteria: Invitae Variant Classification Sherloc (09022015). Collection method: clinical testing. Allele origin: germline.
Comment: This sequence change replaces alanine with serine at codon 265 of the HARS2 protein (p.Ala265Ser). The alanine residue is highly conserved and there is a moderate physicochemical difference between alanine and serine. This variant is present in population databases (rs761520638, ExAC 0.03%). This variant has not been reported in the literature in individuals affected with HARS2-related conditions. Algorithms developed to predict the effect of missense changes on protein structure and function are either unavailable or do not agree on the potential impact of this missense change (SIFT: "Deleterious"; PolyPhen-2: "Benign"; Align-GVGD: "Class C0"). In summary, the available evidence is currently insufficient to determine the role of this variant in disease. Therefore, it has been classified as a Variant of Uncertain Significance.

NM_012208.4(HARS2):c.793G>T (p.Ala265Ser)

Gene: HARS2 (histidyl-tRNA synthetase 2, mitochondrial; plus strand). Cytogenetic location: 5q31.3.
Variant type: single nucleotide variant.
Coding change: c.793G>T on transcript NM_012208.4 (MANE Select); coding-DNA position 793, G replaced by T.
Protein change: p.Ala265Ser; replaces alanine 265 with serine.
Molecular consequence: missense variant.
Genome position (GRCh38, 1-based): chr5:140,696,581, G>T. VCF-style: chr5-140696581-G-T. GRCh37 (hg19) VCF-style: chr5-140076166-G-T.
Other names: c.718G>T, p.Ala240Ser (NM_001278731.2); c.361G>T, p.Ala121Ser (NM_001278732.2); c.811G>T, p.Ala271Ser (NM_001363535.2); c.583G>T, p.Ala195Ser (NM_001363536.2); short protein forms A121S, A195S, A240S, A265S, A271S.
Identifiers: ClinVar variation 1399532 (VCV001399532.3), dbSNP rs761520638, ClinGen allele CA3444534.